The following is an entry in ClinVar:

NM_001142800.2(EYS):c.1145A>T (p.Asn382Ile)

Gene: EYS (EGF-like photoreceptor maintenance factor; minus strand). Cytogenetic location: 6q12.
Variant type: single nucleotide variant.
Coding change: c.1145A>T on transcript NM_001142800.2 (MANE Select); coding-DNA position 1145, A replaced by T.
Protein change: p.Asn382Ile; replaces asparagine 382 with isoleucine.
Molecular consequence: missense variant.
Genome position (GRCh38, 1-based): chr6:65,402,517, T>A on the plus strand (A>T on the coding strand, the complement: EYS is on the minus strand). VCF-style: chr6-65402517-T-A. GRCh37 (hg19) VCF-style: chr6-66112410-T-A.
Other names: c.1145A>T, p.Asn382Ile (NM_001142801.2, NM_001292009.2, NM_198283.2); short protein forms N382I.
Identifiers: ClinVar variation 357744 (VCV000357744.58), dbSNP rs144935927, ClinGen allele CA3877857.

ClinVar aggregate classification (germline): Conflicting classifications of pathogenicity. Review status: criteria provided, conflicting classifications (1 of 4 stars). 5 submissions from 5 submitters: Uncertain significance (1); Likely benign (3). 1 of the submissions does not count toward it. Last evaluated 2026-02-04.

Conditions:
Retinitis pigmentosa 25 (RP25). Identifiers: Orphanet 791, MedGen C1864446, MONDO:0011272, OMIM 602772.
Retinitis pigmentosa (RP). Identifiers: Orphanet 791, MedGen C0035334, MeSH D012174, MONDO:0019200, OMIM 268000. Inheritance: Autosomal dominant, autosomal recessive and X linked inheritance.

Allele frequency attached by ClinVar (database versions not stated): ESP Exome Variant Server 0.00100; gnomAD 0.00133 and 0.00148; TOPMed 0.00155; 1000 Genomes Project 0.00180; 1000 Genomes Project 30x 0.00187.
gnomAD v4.1: 2,437 of 1,540,816 alleles (0.16%); highest among the groups gnomAD compares: South Asian, 0.52%; 15 homozygotes.

Submissions (5):

Labcorp Genetics (formerly Invitae), Labcorp
Classification: Likely benign. Last evaluated: 2026-02-04. Review status: criteria provided, single submitter. Criteria: Invitae Variant Classification Sherloc (09022015). Collection method: clinical testing. Allele origin: germline.

CeGaT Center for Human Genetics Tuebingen
Classification: Likely benign. Last evaluated: 2025-01-01. Review status: criteria provided, single submitter. Criteria: CeGaT Center For Human Genetics Tuebingen Variant Classification Criteria Version 2. Collection method: clinical testing. Allele origin: germline. Affected: yes. Observed: 5 variant alleles.
Comment: EYS: BP4, BS2

Blueprint Genetics
Classification: Likely benign. Last evaluated: 2024-11-01. Review status: criteria provided, single submitter. Criteria: ACMG Guidelines, 2015. Collection method: clinical testing. Allele origin: germline.

Illumina Laboratory Services, Illumina
Classification: Uncertain significance for Retinitis pigmentosa. Last evaluated: 2018-01-12. Review status: criteria provided, single submitter. Criteria: ICSL Variant Classification Criteria 13 December 2019. Collection method: clinical testing. Allele origin: germline.

Natera, Inc.
Classification: Benign for Retinitis pigmentosa type 25. Last evaluated: 2020-06-06. Review status: no assertion criteria provided. Collection method: clinical testing. Allele origin: germline. Not counted in ClinVar's aggregate classification.